The following is an entry in ClinVar:

NM_000522.5(HOXA13):c.191C>A (p.Ala64Glu)

Genes: HOXA13 (homeobox A13; minus strand), LOC107126288 (NUP98-HOXA13 recombination region; plus strand). Cytogenetic location: 7p15.2.
Variant type: single nucleotide variant.
Coding change: c.191C>A on transcript NM_000522.5 (MANE Select); coding-DNA position 191, C replaced by A.
Protein change: p.Ala64Glu; replaces alanine 64 with glutamic acid.
Molecular consequence: missense variant.
Genome position (GRCh38, 1-based): chr7:27,199,887, G>T on the plus strand (C>A on the coding strand, the complement: HOXA13 is on the minus strand). VCF-style: chr7-27199887-G-T. GRCh37 (hg19) VCF-style: chr7-27239506-G-T.
Other names: short protein forms A64E.
Identifiers: ClinVar variation 1937756 (VCV001937756.6), dbSNP rs1278990005, ClinGen allele CA367075779.

ClinVar aggregate classification (germline): Uncertain significance. Review status: criteria provided, multiple submitters, no conflicts (2 of 4 stars). 2 submissions from 2 submitters: Uncertain significance (2). Last evaluated 2024-06-13.

Conditions:
Guttmacher syndrome. Identifiers: Orphanet 2957, MedGen C1867801, MONDO:0008301, OMIM 176305.
Hand-foot-genital syndrome (HFG). Also called: HFU syndrome; HFG syndrome; Hand-Foot-Uterus Syndrome. Identifiers: Orphanet 2438, MedGen C1841679, MONDO:0007698, OMIM 140000.

Submissions (2):

Fulgent Genetics
Classification: Uncertain significance for Hand-foot-genital syndrome; Guttmacher syndrome. Last evaluated: 2024-06-13. Review status: criteria provided, single submitter. Criteria: ACMG Guidelines, 2015. Collection method: clinical testing. Allele origin: germline.

Labcorp Genetics (formerly Invitae), Labcorp
Classification: Uncertain significance. Last evaluated: 2022-06-28. Review status: criteria provided, single submitter. Criteria: Invitae Variant Classification Sherloc (09022015). Collection method: clinical testing. Allele origin: germline.
Comment: This sequence change replaces alanine, which is neutral and non-polar, with glutamic acid, which is acidic and polar, at codon 64 of the HOXA13 protein (p.Ala64Glu). The frequency data for this variant in the population databases is considered unreliable, as metrics indicate insufficient coverage at this position in the gnomAD database. This variant has not been reported in the literature in individuals affected with HOXA13-related conditions. Algorithms developed to predict the effect of missense changes on protein structure and function are either unavailable or do not agree on the potential impact of this missense change (SIFT: "Deleterious"; PolyPhen-2: "Not Available"; Align-GVGD: "Class C0"). In summary, the available evidence is currently insufficient to determine the role of this variant in disease. Therefore, it has been classified as a Variant of Uncertain Significance.